The following is an entry in ClinVar:

ClinVar aggregate classification (germline): Uncertain significance (1 of 4 stars; one submission).

gnomAD v4.1: 1 of 1,614,024 alleles (0.000062%); highest among the groups gnomAD compares: South Asian, 0.0011%; no homozygotes.

Submission:

Labcorp Genetics (formerly Invitae), Labcorp
Classification: Uncertain significance. Last evaluated: 2022-07-12. Review status: criteria provided, single submitter. Criteria: Invitae Variant Classification Sherloc (09022015). Collection method: clinical testing. Allele origin: germline.
Comment: In summary, the available evidence is currently insufficient to determine the role of this variant in disease. Therefore, it has been classified as a Variant of Uncertain Significance. This sequence change replaces serine, which is neutral and polar, with arginine, which is basic and polar, at codon 1718 of the NSD1 protein (p.Ser1718Arg). This variant is present in population databases (no rsID available, gnomAD 0.003%). This variant has not been reported in the literature in individuals affected with NSD1-related conditions. ClinVar contains an entry for this variant (Variation ID: 1058452). Advanced modeling of protein sequence and biophysical properties (such as structural, functional, and spatial information, amino acid conservation, physicochemical variation, residue mobility, and thermodynamic stability) performed at Invitae indicates that this missense variant is not expected to disrupt NSD1 protein function.

NM_022455.5(NSD1):c.5154C>G (p.Ser1718Arg)

Gene: NSD1 (nuclear receptor binding SET domain protein 1; plus strand). Cytogenetic location: 5q35.3.
Variant type: single nucleotide variant.
Coding change: c.5154C>G on transcript NM_022455.5 (MANE Select); coding-DNA position 5154, C replaced by G.
Protein change: p.Ser1718Arg; replaces serine 1718 with arginine.
Molecular consequence: missense variant.
Genome position (GRCh38, 1-based): chr5:177,267,569, C>G. VCF-style: chr5-177267569-C-G. GRCh37 (hg19) VCF-style: chr5-176694570-C-G.
Other names: c.4281C>G, p.Ser1427Arg (NM_001365684.2, NM_001409308.1, NM_001409309.1 and 1 more transcripts); c.5154C>G, p.Ser1718Arg (NM_001409301.1, NM_001409302.1, NM_001409303.1); c.4734C>G, p.Ser1578Arg (NM_001409304.1); c.4401C>G, p.Ser1467Arg (NM_001409305.1); c.4392C>G, p.Ser1464Arg (NM_001409306.1, NM_001409307.1); short protein forms S1449R, S1718R, S1467R, S1464R, S1578R, S1427R.
Identifiers: ClinVar variation 1058452 (VCV001058452.9), dbSNP rs1043343803, ClinGen allele CA132835879.
Genomic context (GRCh38, chr5:177,267,569, plus strand): 5'-ATACATGACTTGCAGTCTTGTGATCTGAATGCCACATTTTTTTATTCCCACAGGAGGCAG[C>G]CTTCTGTGCTGTGATTCTTGCCCTGCTGCTTTTCATCGTGAATGCCTGAACATTGATATC-3'
Protein context (NP_071900.2, residues 1708-1728): SWCFVCSEGG[Ser1718Arg]LLCCDSCPAA